The following is an entry in ClinVar:

ClinVar aggregate classification (germline): Pathogenic. Review status: reviewed by expert panel (3 of 4 stars). 4 submissions from 4 submitters: Pathogenic (1). 3 of the submissions do not count toward it. Last evaluated 2017-12-15.

Conditions:
Hereditary breast ovarian cancer syndrome. Also called: Hereditary breast and ovarian cancer syndrome; Hereditary breast and ovarian cancer; Hereditary breast and ovarian cancer syndrome (HBOC); Breast and ovarian cancer; Hereditary breast and/or ovarian cancer syndrome; BRCA1- and BRCA2-Associated Hereditary Breast and Ovarian Cancer. Identifiers: Orphanet 145, MedGen C0677776, MeSH D061325, MONDO:0003582. Disease mechanism: loss of function.
Familial cancer of breast. Also called: BREAST CANCER, FAMILIAL; Hereditary breast cancer; hereditary breast carcinoma. Identifiers: Orphanet 227535, MedGen C0346153, MONDO:0016419, OMIM 114480. Disease mechanism: loss of function.
Hereditary cancer-predisposing syndrome. Also called: Neoplastic Syndromes, Hereditary; Tumor predisposition; Hereditary neoplastic syndrome; Hereditary Cancer Syndrome. Identifiers: Orphanet 140162, MedGen C0027672, MeSH D009386, MONDO:0015356.
Breast-ovarian cancer, familial, susceptibility to, 2 (BROVCA2). Also called: BRCA2 Hereditary Breast and Ovarian Cancer. Identifiers: Orphanet 145, MedGen C2675520, MONDO:0012933, OMIM 612555. Disease mechanism: loss of function.

Submissions (4):

Evidence-based Network for the Interpretation of Germline Mutant Alleles (ENIGMA)
Classification: Pathogenic for Breast-ovarian cancer, familial, susceptibility to, 2. Last evaluated: 2017-12-15. Review status: reviewed by expert panel. Criteria: ENIGMA BRCA1/2 Classification Criteria (2017-06-29). Collection method: curation. Allele origin: germline. Study: ENIGMA.
Comment: Variant allele predicted to encode a truncated non-functional protein.

Labcorp Genetics (formerly Invitae), Labcorp
Classification: Pathogenic for Hereditary breast ovarian cancer syndrome. Last evaluated: 2024-02-23. Review status: criteria provided, single submitter. Criteria: Invitae Variant Classification Sherloc (09022015). Collection method: clinical testing. Allele origin: germline. Not counted in ClinVar's aggregate classification.
Comment: This sequence change creates a premature translational stop signal (p.Lys2882*) in the BRCA2 gene. It is expected to result in an absent or disrupted protein product. Loss-of-function variants in BRCA2 are known to be pathogenic (PMID: 20104584). This variant is not present in population databases (gnomAD no frequency). This premature translational stop signal has been observed in individual(s) with breast and/or ovarian cancer (PMID: 17851763, 31825140). ClinVar contains an entry for this variant (Variation ID: 52648). For these reasons, this variant has been classified as Pathogenic.

Ambry Genetics
Classification: Pathogenic for Hereditary cancer-predisposing syndrome. Last evaluated: 2023-08-11. Review status: criteria provided, single submitter. Criteria: Ambry Variant Classification Scheme 2023. Collection method: clinical testing. Allele origin: germline. Not counted in ClinVar's aggregate classification.
Comment: The p.K2882* pathogenic mutation (also known as c.8644A>T), located in coding exon 20 of the BRCA2 gene, results from an A to T substitution at nucleotide position 8644. This changes the amino acid from a lysine to a stop codon within coding exon 20. This alteration has been reported in an early onset breast cancer patient (Li WF et al. Breast Cancer Res Treat, 2008 Jul;110:99-109). This variant is considered to be rare based on population cohorts in the Genome Aggregation Database (gnomAD). In addition to the clinical data presented in the literature, this alteration is expected to result in loss of function by premature protein truncation or nonsense-mediated mRNA decay. As such, this alteration is interpreted as a disease-causing mutation.

ClinVar Staff, National Center for Biotechnology Information (NCBI)
No classification provided. Condition: Familial cancer of breast. Review status: no classification provided. Collection method: literature only. Allele origin: germline. Affected: yes. Not counted in ClinVar's aggregate classification.

Literature cited by the submitters: PubMed 20104584 (cited by Labcorp Genetics (formerly Invitae), Labcorp); PubMed 17851763 (cited by 3 submitters); PubMed 31825140 (cited by Labcorp Genetics (formerly Invitae), Labcorp).

NM_000059.4(BRCA2):c.8644A>T (p.Lys2882Ter)

Gene: BRCA2 (BRCA2 DNA repair associated; plus strand). Cytogenetic location: 13q13.1.
Variant type: single nucleotide variant.
Coding change: c.8644A>T on transcript NM_000059.4 (MANE Select); coding-DNA position 8644, A replaced by T.
Protein change: p.Lys2882Ter; replaces lysine 2882 with a stop codon.
Molecular consequence: nonsense.
Genome position (GRCh38, 1-based): chr13:32,376,681, A>T. VCF-style: chr13-32376681-A-T. GRCh37 (hg19) VCF-style: chr13-32950818-A-T.
Other names: short protein forms K2882*.
Identifiers: ClinVar variation 52648 (VCV000052648.7), dbSNP rs397508000, ClinGen allele CA025757.